The following is an entry in ClinVar:

ClinVar aggregate classification (germline): Conflicting classifications of pathogenicity. Review status: criteria provided, conflicting classifications (1 of 4 stars). 2 submissions from 2 submitters: Pathogenic (1); Uncertain significance (1). Last evaluated 2025-07-08.

Conditions:
Fructose-biphosphatase deficiency (FBP1D). Also called: Fructose 1,6 Bisphosphatase Deficiency; Fructose-1,6-Diphosphatase Deficiency; Fructose-1,6-Bisphosphatase 1 Deficiency. Identifiers: Orphanet 348, MedGen C0016756, MONDO:0009251, OMIM 229700.

Allele frequency attached by ClinVar (database versions not stated): gnomAD exomes below 0.00001.
gnomAD v4.1: 1 of 1,613,418 alleles (0.000062%); highest among the groups gnomAD compares: Non-Finnish European, 0.000085%; no homozygotes.

Submissions (2):

Women's Health and Genetics/Laboratory Corporation of America, LabCorp
Classification: Pathogenic for Fructose-biphosphatase deficiency. Last evaluated: 2025-07-08. Review status: criteria provided, single submitter. Criteria: LabCorp Variant Classification Summary - May 2015. Collection method: clinical testing. Allele origin: germline.
Comment: Variant summary: FBP1 c.705+5G>A alters a conserved nucleotide located close to a canonical splice site and therefore could affect mRNA splicing, leading to a significantly altered protein sequence. Several computational tools predict a significant impact on normal splicing: Two predict the variant abolishes a canonical 5' splicing donor site and two predict the variant weakens this site. Three predict the variant creates a cryptic 5' donor site. However, these predictions have yet to be confirmed by functional studies. The variant was absent in 281576 control chromosomes (gnomAD). c.705+5G>A has been observed in several homozygous individuals affected with Fructose-biphosphatase deficiency (e.g., Emecen Sanli_2022, Hertzog_2022). These data indicate that the variant is very likely to be associated with disease. The following publications have been ascertained in the context of this evaluation (PMID: 35179010, 36561316). ClinVar contains an entry for this variant (Variation ID: 1201876). Based on the evidence outlined above, the variant was classified as pathogenic.

GeneDx
Classification: Uncertain significance. Last evaluated: 2020-02-06. Review status: criteria provided, single submitter. Criteria: GeneDx Variant Classification Process June 2021. Collection method: clinical testing. Allele origin: germline. Affected: yes.
Comment: Not observed in large population cohorts (Lek et al., 2016); In silico analysis supports a deleterious effect on splicing; Has not been previously published as pathogenic or benign to our knowledge

Literature cited by the submitters: PubMed 35179010 (cited by Women's Health and Genetics/Laboratory Corporation of America, LabCorp); PubMed 36561316 (cited by Women's Health and Genetics/Laboratory Corporation of America, LabCorp).

NM_000507.4(FBP1):c.705+5G>A

Gene: FBP1 (fructose-bisphosphatase 1; minus strand). Cytogenetic location: 9q22.32.
Variant type: single nucleotide variant.
Coding change: c.705+5G>A on transcript NM_000507.4 (MANE Select); 5 bases into the intron after coding-DNA position 705, G replaced by A.
Molecular consequence: intron variant.
Genome position (GRCh38, 1-based): chr9:94,606,810, C>T on the plus strand (G>A on the coding strand, the complement: FBP1 is on the minus strand). VCF-style: chr9-94606810-C-T. GRCh37 (hg19) VCF-style: chr9-97369092-C-T.
Other names: c.705+5G>A (NM_001127628.2).
Identifiers: ClinVar variation 1201876 (VCV001201876.4), dbSNP rs2131472862, ClinGen allele CA2499220006.